The following is an entry in ClinVar:

ClinVar aggregate classification (germline): Uncertain significance (1 of 4 stars; one submission).

Conditions:
Hereditary cancer-predisposing syndrome. Also called: Neoplastic Syndromes, Hereditary; Hereditary neoplastic syndrome; Tumor predisposition; Hereditary Cancer Syndrome. Identifiers: Orphanet 140162, MedGen C0027672, MeSH D009386, MONDO:0015356.

Submission:

Ambry Genetics
Classification: Uncertain significance for Hereditary cancer-predisposing syndrome. Last evaluated: 2022-12-23. Review status: criteria provided, single submitter. Criteria: Ambry Variant Classification Scheme 2023. Collection method: clinical testing. Allele origin: germline.
Comment: The p.L94V variant (also known as c.280C>G), located in coding exon 3 of the CDC73 gene, results from a C to G substitution at nucleotide position 280. The leucine at codon 94 is replaced by valine, an amino acid with highly similar properties. This amino acid position is conserved. In addition, the in silico prediction for this alteration is inconclusive. Since supporting evidence is limited at this time, the clinical significance of this alteration remains unclear.

NM_024529.5(CDC73):c.280C>G (p.Leu94Val)

Gene: CDC73 (cell division cycle 73; plus strand). Cytogenetic location: 1q31.2.
Variant type: single nucleotide variant.
Coding change: c.280C>G on transcript NM_024529.5 (MANE Select); coding-DNA position 280, C replaced by G.
Protein change: p.Leu94Val; replaces leucine 94 with valine.
Molecular consequence: missense variant.
Genome position (GRCh38, 1-based): chr1:193,130,216, C>G. VCF-style: chr1-193130216-C-G. GRCh37 (hg19) VCF-style: chr1-193099346-C-G.
Other names: short protein forms L94V.
Identifiers: ClinVar variation 2497614 (VCV002497614.2), dbSNP rs747811573, ClinGen allele CA343973363.